The following is an entry in ClinVar:

ClinVar aggregate classification (germline): Pathogenic (1 of 4 stars; one submission).

Conditions:
Hereditary cancer-predisposing syndrome. Also called: Neoplastic Syndromes, Hereditary; Tumor predisposition; Hereditary neoplastic syndrome; Hereditary Cancer Syndrome. Identifiers: Orphanet 140162, MedGen C0027672, MeSH D009386, MONDO:0015356.

Submission:

Ambry Genetics
Classification: Pathogenic for Hereditary cancer-predisposing syndrome. Last evaluated: 2024-05-28. Review status: criteria provided, single submitter. Criteria: Ambry Variant Classification Scheme 2023. Collection method: clinical testing. Allele origin: germline.
Comment: The c.3249_3250insAA pathogenic mutation, located in coding exon 21 of the ATM gene, results from an insertion of two nucleotides at position 3249, causing a translational frameshift with a predicted alternate stop codon (p.Q1084Nfs*26). This alteration is expected to result in loss of function by premature protein truncation or nonsense-mediated mRNA decay. As such, this alteration is interpreted as a disease-causing mutation.

NM_000051.4(ATM):c.3249_3250insAA (p.Gln1084fs)

Gene: ATM (ATM serine/threonine kinase; plus strand). Cytogenetic location: 11q22.3.
Variant type: Insertion.
Coding change: c.3249_3250insAA on transcript NM_000051.4 (MANE Select); coding-DNA positions 3249 to 3250, AA inserted.
Protein change: p.Gln1084fs; shifts the reading frame from glutamine 1084.
Molecular consequence: frameshift variant.
Genome position: GRCh38 VCF-style: chr11-108272817-C-CAA. GRCh37 (hg19) VCF-style: chr11-108143544-C-CAA.
Other names: c.3249_3250insAA, p.Gln1084fs (NM_001351834.2); short protein forms Q1084fs.
Identifiers: ClinVar variation 3325958 (VCV003325958.1).